The following is an entry in ClinVar:

ClinVar aggregate classification (germline): Uncertain significance (1 of 4 stars; one submission).

Conditions:
Cardiovascular phenotype. Identifiers: MedGen CN230736.

Submission:

Ambry Genetics
Classification: Uncertain significance for Cardiovascular phenotype. Last evaluated: 2026-01-24. Review status: criteria provided, single submitter. Criteria: Ambry Variant Classification Scheme 2023. Collection method: clinical testing. Allele origin: germline.
Comment: The p.F3789L variant (also known as c.11367C>G), located in coding exon 83 of the RYR2 gene, results from a C to G substitution at nucleotide position 11367. The phenylalanine at codon 3789 is replaced by leucine, an amino acid with highly similar properties. This amino acid position is conserved. In addition, this alteration is predicted to be deleterious by in silico analysis. Based on the available evidence, the clinical significance of this variant remains unclear.

NM_001035.3(RYR2):c.11367C>G (p.Phe3789Leu)

Gene: RYR2 (ryanodine receptor 2; plus strand). Cytogenetic location: 1q43.
Variant type: single nucleotide variant.
Coding change: c.11367C>G on transcript NM_001035.3 (MANE Select); coding-DNA position 11367, C replaced by G.
Protein change: p.Phe3789Leu; replaces phenylalanine 3789 with leucine.
Molecular consequence: missense variant.
Genome position (GRCh38, 1-based): chr1:237,759,817, C>G. VCF-style: chr1-237759817-C-G. GRCh37 (hg19) VCF-style: chr1-237923117-C-G.
Other names: short protein forms F3789L.
Identifiers: ClinVar variation 4825541 (VCV004825541.1).